The following is an entry in ClinVar:

ClinVar aggregate classification (germline): Uncertain significance. Review status: criteria provided, multiple submitters, no conflicts (2 of 4 stars). 4 submissions from 4 submitters: Uncertain significance (4). Last evaluated 2026-01-19.

Conditions:
Inborn genetic diseases. Identifiers: MedGen C0950123, MeSH D030342.
Hypomyelination and Congenital Cataract (HLD5). Also called: hypomyelinating leukodystrophy 5. Identifiers: Orphanet 85163, MedGen C1864663, MONDO:0012514, OMIM 610532.

Allele frequency attached by ClinVar (database versions not stated): ExAC 0.00007; gnomAD exomes 0.00012 and 0.00020; gnomAD 0.00015; TOPMed 0.00015; ESP Exome Variant Server 0.00031.
gnomAD v4.1: 312 of 1,613,564 alleles (0.019%); highest among the groups gnomAD compares: Non-Finnish European, 0.024%; no homozygotes.

Submissions (4):

Labcorp Genetics (formerly Invitae), Labcorp
Classification: Uncertain significance for Hypomyelination and Congenital Cataract. Last evaluated: 2026-01-19. Review status: criteria provided, single submitter. Criteria: Invitae Variant Classification Sherloc (09022015). Collection method: clinical testing. Allele origin: germline.
Comment: This sequence change replaces arginine, which is basic and polar, with glutamine, which is neutral and polar, at codon 383 of the FAM126A protein (p.Arg383Gln). This variant is present in population databases (rs146436512, gnomAD 0.03%). This variant has not been reported in the literature in individuals affected with FAM126A-related conditions. ClinVar contains an entry for this variant (Variation ID: 910079). Invitae Evidence Modeling of protein sequence and biophysical properties (such as structural, functional, and spatial information, amino acid conservation, physicochemical variation, residue mobility, and thermodynamic stability) indicates that this missense variant is not expected to disrupt FAM126A protein function with a negative predictive value of 80%. In summary, the available evidence is currently insufficient to determine the role of this variant in disease. Therefore, it has been classified as a Variant of Uncertain Significance.

Ambry Genetics
Classification: Uncertain significance for Inborn genetic diseases. Last evaluated: 2025-04-25. Review status: criteria provided, single submitter. Criteria: Ambry Variant Classification Scheme 2023. Collection method: clinical testing. Allele origin: germline.

Department of Pathology and Laboratory Medicine, Sinai Health System
Classification: Uncertain significance for hypomyelinating leukodystrophy 5. Last evaluated: 2021-07-30. Review status: criteria provided, single submitter. Criteria: ACMG Guidelines, 2015. Collection method: research. Allele origin: germline.

Illumina Laboratory Services, Illumina
Classification: Uncertain significance for Hypomyelination and Congenital Cataract. Last evaluated: 2018-01-13. Review status: criteria provided, single submitter. Criteria: ICSL Variant Classification Criteria 13 December 2019. Collection method: clinical testing. Allele origin: germline.

NM_032581.4(HYCC1):c.1148G>A (p.Arg383Gln)

Gene: HYCC1 (hyccin PI4KA lipid kinase complex subunit 1; minus strand). Cytogenetic location: 7p15.3.
Variant type: single nucleotide variant.
Coding change: c.1148G>A on transcript NM_032581.4 (MANE Select); coding-DNA position 1148, G replaced by A.
Protein change: p.Arg383Gln; replaces arginine 383 with glutamine.
Molecular consequence: missense variant. On other transcripts: 3 prime UTR variant (2).
Genome position (GRCh38, 1-based): chr7:22,946,007, C>T on the plus strand (G>A on the coding strand, the complement: HYCC1 is on the minus strand). VCF-style: chr7-22946007-C-T. GRCh37 (hg19) VCF-style: chr7-22985626-C-T.
Other names: c.*184G>A (NM_001363466.2); c.*142G>A (NM_001363467.2); short protein forms R383Q.
Identifiers: ClinVar variation 910079 (VCV000910079.12), dbSNP rs146436512, ClinGen allele CA4185781.